The following is an entry in ClinVar:

ClinVar aggregate classification (germline): Likely pathogenic (1 of 4 stars; one submission).

Conditions:
Spastic paraplegia. Identifiers: MedGen C0037772, HP:0001258.

gnomAD v4.1: 3 of 1,610,490 alleles (0.00019%); highest among the groups gnomAD compares: Non-Finnish European, 0.00025%; no homozygotes.

Submission:

Labcorp Genetics (formerly Invitae), Labcorp
Classification: Likely pathogenic for Spastic paraplegia. Last evaluated: 2024-03-21. Review status: criteria provided, single submitter. Criteria: Invitae Variant Classification Sherloc (09022015). Collection method: clinical testing. Allele origin: germline.
Comment: This sequence change replaces aspartic acid, which is acidic and polar, with tyrosine, which is neutral and polar, at codon 1582 of the SACS protein (p.Asp1582Tyr). This variant is not present in population databases (gnomAD no frequency). This variant has not been reported in the literature in individuals affected with SACS-related conditions. Advanced modeling of protein sequence and biophysical properties (such as structural, functional, and spatial information, amino acid conservation, physicochemical variation, residue mobility, and thermodynamic stability) performed at Invitae indicates that this missense variant is expected to disrupt SACS protein function with a positive predictive value of 95%. This variant disrupts the p.Asp1582 amino acid residue in SACS. Other variant(s) that disrupt this residue have been determined to be pathogenic (PMID: 23250129). This suggests that this residue is clinically significant, and that variants that disrupt this residue are likely to be disease-causing. In summary, the currently available evidence indicates that the variant is pathogenic, but additional data are needed to prove that conclusively. Therefore, this variant has been classified as Likely Pathogenic.

Literature cited by the submitters: PubMed 23250129.

NM_014363.6(SACS):c.4744G>T (p.Asp1582Tyr)

Gene: SACS (sacsin molecular chaperone; minus strand). Cytogenetic location: 13q12.12.
Variant type: single nucleotide variant.
Coding change: c.4744G>T on transcript NM_014363.6 (MANE Select); coding-DNA position 4744, G replaced by T.
Protein change: p.Asp1582Tyr; replaces aspartic acid 1582 with tyrosine.
Molecular consequence: missense variant.
Genome position (GRCh38, 1-based): chr13:23,339,132, C>A on the plus strand (G>T on the coding strand, the complement: SACS is on the minus strand). VCF-style: chr13-23339132-C-A. GRCh37 (hg19) VCF-style: chr13-23913271-C-A.
Other names: c.4303G>T, p.Asp1435Tyr (NM_001278055.2); short protein forms D1435Y, D1582Y.
Identifiers: ClinVar variation 3636397 (VCV003636397.2).